The following is an entry in ClinVar:

NM_005902.4(SMAD3):c.831C>T (p.Val277=)

Gene: SMAD3 (SMAD family member 3; plus strand). Cytogenetic location: 15q22.33.
Variant type: single nucleotide variant.
Coding change: c.831C>T on transcript NM_005902.4 (MANE Select); coding-DNA position 831, C replaced by T.
Protein change: p.Val277=; no amino-acid change (valine 277 retained).
Molecular consequence: synonymous variant.
Genome position (GRCh38, 1-based): chr15:67,181,413, C>T. VCF-style: chr15-67181413-C-T. GRCh37 (hg19) VCF-style: chr15-67473751-C-T.
Other names: c.516C>T, p.Val172= (NM_001145102.2, NM_001407016.1); c.699C>T, p.Val233= (NM_001145103.2, NM_001407012.1); c.246C>T, p.Val82= (NM_001145104.2, NM_001407017.1); c.831C>T, p.Val277= (NM_001407011.1, NM_001407013.1); c.684C>T, p.Val228= (NM_001407014.1); c.384C>T, p.Val128= (NM_001407015.1).
Identifiers: ClinVar variation 3072096 (VCV003072096.1), dbSNP rs2505284642, ClinGen allele CA490915592.

ClinVar aggregate classification (germline): Likely benign (1 of 4 stars; one submission).

Conditions:
Aneurysm-osteoarthritis syndrome. Also called: SMAD3-Related Loeys-Dietz Syndrome; ANEURYSMS-OSTEOARTHRITIS SYNDROME; Loeys-Dietz syndrome, type 1C; LOEYS-DIETZ SYNDROME WITH OSTEOARTHRITIS. Identifiers: Orphanet 284984, MedGen C3151087, MONDO:0013426, OMIM 613795.

Submission:

All of Us Research Program, National Institutes of Health
Classification: Likely benign for Aneurysm-osteoarthritis syndrome. Last evaluated: 2023-06-26. Review status: criteria provided, single submitter. Criteria: ACMG Guidelines, 2015. Collection method: clinical testing. Allele origin: germline. Inheritance: Autosomal dominant inheritance. Observed: 1 variant allele, 1 heterozygote.
Comment: This study involves interpretation of variants in research participants for the purpose of population health screening. Participant phenotype was not available at the time of variant classification. Additional details can be found in publication PMID: 35346344, PMCID: PMC8962531